The following is an entry in ClinVar:

NM_001267550.2(TTN):c.99197C>G (p.Ala33066Gly)

Genes: TTN (titin; minus strand), TTN-AS1 (TTN antisense RNA 1; plus strand). Cytogenetic location: 2q31.2.
Variant type: single nucleotide variant.
Coding change: c.99197C>G on transcript NM_001267550.2 (MANE Select); coding-DNA position 99197, C replaced by G.
Protein change: p.Ala33066Gly; replaces alanine 33066 with glycine.
Molecular consequence: missense variant.
Genome position (GRCh38, 1-based): chr2:178,538,632, G>C on the plus strand (C>G on the coding strand, the complement: TTN is on the minus strand). VCF-style: chr2-178538632-G-C. GRCh37 (hg19) VCF-style: chr2-179403359-G-C.
Other names: c.94274C>G, p.Ala31425Gly (NM_001256850.1); c.72002C>G, p.Ala24001Gly (NM_003319.4); c.91493C>G, p.Ala30498Gly (NM_133378.4); c.72377C>G, p.Ala24126Gly (NM_133432.3); c.72578C>G, p.Ala24193Gly (NM_133437.4); short protein forms A33066G, A30498G, A24001G, A24126G, A24193G, A31425G.
Identifiers: ClinVar variation 854475 (VCV000854475.9), dbSNP rs1172364516, ClinGen allele CA349430739.

ClinVar aggregate classification (germline): Uncertain significance. Review status: criteria provided, multiple submitters, no conflicts (2 of 4 stars). 2 submissions from 2 submitters: Uncertain significance (2). Last evaluated 2025-02-04.

Conditions:
Autosomal recessive limb-girdle muscular dystrophy type 2J (LGMDR10). Also called: MUSCULAR DYSTROPHY, LIMB-GIRDLE, AUTOSOMAL RECESSIVE 10; Limb-girdle muscular dystrophy, type 2J. Identifiers: Orphanet 140922, MedGen C1837342, MONDO:0012127, OMIM 608807.
Hypertrophic cardiomyopathy 9. Also called: Familial hypertrophic cardiomyopathy 9. Identifiers: MedGen C1861065, MONDO:0013412, OMIM 613765.
Myopathy, myofibrillar, 9, with early respiratory failure (MFM9). Also called: EDSTROM MYOPATHY; MYOPATHY, PROXIMAL, WITH EARLY RESPIRATORY MUSCLE INVOLVEMENT; Myopathy, distal, with early respiratory failure, autosomal dominant; Hereditary myopathy with early respiratory failure. Identifiers: Orphanet 178464, Orphanet 34521, MedGen C1863599, MONDO:0011362, OMIM 603689.
Tibial muscular dystrophy (TMD). Also called: Tibial muscular dystrophy, tardive; UDD MYOPATHY; Udd Distal Myopathy – Tibial Muscular Dystrophy. Identifiers: Orphanet 609, MedGen C1838244, MONDO:0010870, OMIM 600334.
Early-onset myopathy with fatal cardiomyopathy (CMYO5). Also called: CONGENITAL MYOPATHY 5 WITH CARDIOMYOPATHY; Salih Myopathy. Identifiers: Orphanet 289377, MedGen C2673677, MONDO:0012714, OMIM 611705. Disease mechanism: loss of function.
Dilated cardiomyopathy 1G (CMD1G). Identifiers: Orphanet 154, MedGen C1858763, MONDO:0011400, OMIM 604145.

Allele frequency attached by ClinVar (database versions not stated): TOPMed 0.00002.

Submissions (2):

Labcorp Genetics (formerly Invitae), Labcorp
Classification: Uncertain significance for Dilated cardiomyopathy 1G; Autosomal recessive limb-girdle muscular dystrophy type 2J. Last evaluated: 2025-02-04. Review status: criteria provided, single submitter. Criteria: Invitae Variant Classification Sherloc (09022015). Collection method: clinical testing. Allele origin: germline.
Comment: This sequence change replaces alanine, which is neutral and non-polar, with glycine, which is neutral and non-polar, at codon 33066 of the TTN protein (p.Ala33066Gly). This variant is not present in population databases (gnomAD no frequency). This missense change has been observed in individual(s) with clinical features of autosomal recessive limb-girdle muscular dystrophy (internal data). ClinVar contains an entry for this variant (Variation ID: 854475). Experimental studies and prediction algorithms are not available or were not evaluated, and the functional significance of this variant is currently unknown. This variant is located in the A band of TTN (PMID: 25589632). Variants in this region may be relevant for cardiac or neuromuscular disorders (PMID: 25589632, 23975875). In summary, the available evidence is currently insufficient to determine the role of this variant in disease. Therefore, it has been classified as a Variant of Uncertain Significance.

Fulgent Genetics
Classification: Uncertain significance for Tibial muscular dystrophy; Myopathy, myofibrillar, 9, with early respiratory failure; Dilated cardiomyopathy 1G; Autosomal recessive limb-girdle muscular dystrophy type 2J; Early-onset myopathy with fatal cardiomyopathy; Hypertrophic cardiomyopathy 9. Last evaluated: 2021-09-10. Review status: criteria provided, single submitter. Criteria: ACMG Guidelines, 2015. Collection method: clinical testing. Allele origin: unknown.

Literature cited by the submitters: PubMed 25589632 (cited by Labcorp Genetics (formerly Invitae), Labcorp); PubMed 23975875 (cited by Labcorp Genetics (formerly Invitae), Labcorp).